The following is an entry in ClinVar:

ClinVar aggregate classification (germline): Uncertain significance (1 of 4 stars; one submission).

Conditions:
Progressive sclerosing poliodystrophy (MTDPS4A). Also called: NEURONAL DEGENERATION OF CHILDHOOD WITH LIVER DISEASE, PROGRESSIVE; ALPERS PROGRESSIVE INFANTILE POLIODYSTROPHY; Mitochondrial DNA Depletion Syndrome 4A; Alpers-Huttenlocher Syndrome (AHS); Alpers Syndrome; ALPERS DIFFUSE DEGENERATION OF CEREBRAL GRAY MATTER WITH HEPATIC CIRRHOSIS. Identifiers: Orphanet 726, MedGen C0205710, MONDO:0008758, OMIM 203700.

Submission:

Labcorp Genetics (formerly Invitae), Labcorp
Classification: Uncertain significance for Progressive sclerosing poliodystrophy. Last evaluated: 2019-10-16. Review status: criteria provided, single submitter. Criteria: Invitae Variant Classification Sherloc (09022015). Collection method: clinical testing. Allele origin: germline.
Comment: This sequence change replaces serine with arginine at codon 809 of the POLG protein (p.Ser809Arg). The serine residue is moderately conserved and there is a moderate physicochemical difference between serine and arginine. Algorithms developed to predict the effect of missense changes on protein structure and function are either unavailable or do not agree on the potential impact of this missense change (SIFT: "Tolerated"; PolyPhen-2: "Probably Damaging"; Align-GVGD: "Class C0"). This variant is not present in population databases (ExAC no frequency). This variant has not been reported in the literature in individuals with POLG-related conditions. Algorithms developed to predict the effect of sequence changes on RNA splicing suggest that this variant may disrupt the consensus splice site, but this prediction has not been confirmed by published transcriptional studies. In summary, the available evidence is currently insufficient to determine the role of this variant in disease. Therefore, it has been classified as a Variant of Uncertain Significance.

NM_002693.3(POLG):c.2425A>C (p.Ser809Arg)

Gene: POLG (DNA polymerase gamma, catalytic subunit; minus strand). Cytogenetic location: 15q26.1.
Variant type: single nucleotide variant.
Coding change: c.2425A>C on transcript NM_002693.3 (MANE Select); coding-DNA position 2425, A replaced by C.
Protein change: p.Ser809Arg; replaces serine 809 with arginine.
Molecular consequence: missense variant.
Genome position (GRCh38, 1-based): chr15:89,322,743, T>G on the plus strand (A>C on the coding strand, the complement: POLG is on the minus strand). VCF-style: chr15-89322743-T-G. GRCh37 (hg19) VCF-style: chr15-89865974-T-G.
Other names: c.2425A>C, p.Ser809Arg (NM_001126131.2); short protein forms S809R.
Identifiers: ClinVar variation 933507 (VCV000933507.10), dbSNP rs2055414422, ClinGen allele CA393756168.